The following is an entry in ClinVar:

ClinVar aggregate classification (germline): Uncertain significance (1 of 4 stars; one submission).

Submission:

Labcorp Genetics (formerly Invitae), Labcorp
Classification: Uncertain significance. Last evaluated: 2022-03-10. Review status: criteria provided, single submitter. Criteria: Invitae Variant Classification Sherloc (09022015). Collection method: clinical testing. Allele origin: germline.
Comment: This variant has not been reported in the literature in individuals affected with NOG-related conditions. This sequence change replaces tryptophan, which is neutral and slightly polar, with arginine, which is basic and polar, at codon 161 of the NOG protein (p.Trp161Arg). This variant is not present in population databases (gnomAD no frequency). Algorithms developed to predict the effect of missense changes on protein structure and function (SIFT, PolyPhen-2, Align-GVGD) all suggest that this variant is likely to be disruptive. In summary, the available evidence is currently insufficient to determine the role of this variant in disease. Therefore, it has been classified as a Variant of Uncertain Significance.

NM_005450.6(NOG):c.481T>C (p.Trp161Arg)

Gene: NOG (noggin; plus strand). Cytogenetic location: 17q22.
Variant type: single nucleotide variant.
Coding change: c.481T>C on transcript NM_005450.6 (MANE Select); coding-DNA position 481, T replaced by C.
Protein change: p.Trp161Arg; replaces tryptophan 161 with arginine.
Molecular consequence: missense variant.
Genome position (GRCh38, 1-based): chr17:56,594,704, T>C. VCF-style: chr17-56594704-T-C. GRCh37 (hg19) VCF-style: chr17-54672065-T-C.
Other names: short protein forms W161R.
Identifiers: ClinVar variation 2106077 (VCV002106077.4), dbSNP rs2545137814, ClinGen allele CA399966317.